The following is an entry in ClinVar:

ClinVar aggregate classification (germline): Uncertain significance. Review status: criteria provided, multiple submitters, no conflicts (2 of 4 stars). 2 submissions from 2 submitters: Uncertain significance (2). Last evaluated 2024-11-05.

Conditions:
Diffuse cerebral and cerebellar atrophy - intractable seizures - progressive microcephaly syndrome. Also called: Microcephaly, progressive, with seizures and cerebral and cerebellar atrophy. Identifiers: Orphanet 404437, MedGen C4014239, MONDO:0014335, OMIM 615760.

Allele frequency attached by ClinVar (database versions not stated): gnomAD exomes below 0.00001; TOPMed below 0.00001.
gnomAD v4.1: 2 of 1,614,126 alleles (0.00012%); highest among the groups gnomAD compares: Admixed American, 0.0017%; no homozygotes.

Submissions (2):

Labcorp Genetics (formerly Invitae), Labcorp
Classification: Uncertain significance for Diffuse cerebral and cerebellar atrophy - intractable seizures - progressive microcephaly syndrome. Last evaluated: 2024-11-05. Review status: criteria provided, single submitter. Criteria: Invitae Variant Classification Sherloc (09022015). Collection method: clinical testing. Allele origin: germline.
Comment: This sequence change replaces leucine, which is neutral and non-polar, with methionine, which is neutral and non-polar, at codon 185 of the QARS protein (p.Leu185Met). This variant is not present in population databases (gnomAD no frequency). This variant has not been reported in the literature in individuals affected with QARS-related conditions. ClinVar contains an entry for this variant (Variation ID: 1963569). Invitae Evidence Modeling of protein sequence and biophysical properties (such as structural, functional, and spatial information, amino acid conservation, physicochemical variation, residue mobility, and thermodynamic stability) has been performed for this missense variant. However, the output from this modeling did not meet the statistical confidence thresholds required to predict the impact of this variant on QARS protein function. In summary, the available evidence is currently insufficient to determine the role of this variant in disease. Therefore, it has been classified as a Variant of Uncertain Significance.

GeneDx
Classification: Uncertain significance. Last evaluated: 2023-06-01. Review status: criteria provided, single submitter. Criteria: GeneDx Variant Classification Process June 2021. Collection method: clinical testing. Allele origin: germline. Affected: yes.
Comment: Not observed at significant frequency in large population cohorts (gnomAD); In silico analysis supports that this missense variant does not alter protein structure/function; Has not been previously published as pathogenic or benign to our knowledge; This variant is associated with the following publications: (PMID: 25471517)

NM_005051.3(QARS1):c.553C>A (p.Leu185Met)

Gene: QARS1 (glutaminyl-tRNA synthetase 1; minus strand). Cytogenetic location: 3p21.31.
Variant type: single nucleotide variant.
Coding change: c.553C>A on transcript NM_005051.3 (MANE Select); coding-DNA position 553, C replaced by A.
Protein change: p.Leu185Met; replaces leucine 185 with methionine.
Molecular consequence: missense variant. On other transcripts: non-coding transcript variant (1).
Genome position (GRCh38, 1-based): chr3:49,102,436, G>T on the plus strand (C>A on the coding strand, the complement: QARS1 is on the minus strand). VCF-style: chr3-49102436-G-T. GRCh37 (hg19) VCF-style: chr3-49139869-G-T.
Other names: c.520C>A, p.Leu174Met (NM_001272073.2); c.553C>A (NM_005051.2); short protein forms L174M, L185M.
Identifiers: ClinVar variation 1963569 (VCV001963569.4), dbSNP rs934517078, ClinGen allele CA74477176.
Genomic context (GRCh38, chr3:49,102,436, plus strand): 5'-CCTCACCTCACCCTCAGGGACTCAGGGCCATGCCCATCCCTACCTTGAACTTCTTCTCCA[G>T]ATCAGCCTCCAACTTGGGGCCCAGAAGGTGGAGGACCTGAGCAGAGACCAGAATCAGGCA-3'
Protein context (NP_005042.1, residues 175-195): HLLGPKLEAD[Leu185Met]EKKFKVAKAR